The following is an entry in ClinVar:

NM_152722.5(HEPACAM):c.265G>A (p.Gly89Ser)

Gene: HEPACAM (hepatic and glial cell adhesion molecule; minus strand). Cytogenetic location: 11q24.2.
Variant type: single nucleotide variant.
Coding change: c.265G>A on transcript NM_152722.5 (MANE Select); coding-DNA position 265, G replaced by A.
Protein change: p.Gly89Ser; replaces glycine 89 with serine.
Molecular consequence: missense variant.
Genome position (GRCh38, 1-based): chr11:124,924,890, C>T on the plus strand (G>A on the coding strand, the complement: HEPACAM is on the minus strand). VCF-style: chr11-124924890-C-T. GRCh37 (hg19) VCF-style: chr11-124794786-C-T.
Other names: short protein forms G89S.
Identifiers: ClinVar variation 30919 (VCV000030919.21), dbSNP rs387907053, ClinGen allele CA259947.

ClinVar aggregate classification (germline): Pathogenic/Likely pathogenic. Review status: criteria provided, multiple submitters, no conflicts (2 of 4 stars). 7 submissions from 7 submitters: Pathogenic (4); Likely pathogenic (1). 2 of the submissions do not count toward it. Last evaluated 2026-06-23.

Conditions:
HEPACAM-related disorder. Also called: HEPACAM-related condition.
Megalencephalic leukoencephalopathy with subcortical cysts 2A. Identifiers: Orphanet 2478, MedGen C3151355, MONDO:0013490, OMIM 613925.
Megalencephalic leukoencephalopathy with subcortical cysts 2B, remitting, with or without impaired intellectual development. Also called: Megalencephalic leukoencephalopathy with subcortical cysts 2B, remitting, with or without intellectual disability. Identifiers: Orphanet 2478, MedGen C3151356, MONDO:0013491, OMIM 613926.

Allele frequency attached by ClinVar (database versions not stated): gnomAD exomes below 0.00001.
gnomAD v4.1: 5 of 1,614,196 alleles (0.00031%); highest among the groups gnomAD compares: Non-Finnish European, 0.00042%; no homozygotes.

Submissions (7):

PreventionGenetics, part of Exact Sciences
Classification: Pathogenic for HEPACAM-related condition. Last evaluated: 2026-06-23. Review status: criteria provided, single submitter. Criteria: ACMG Guidelines, 2015. Collection method: clinical testing. Allele origin: germline.
Comment: The HEPACAM c.265G>A variant is predicted to result in the amino acid substitution p.Gly89Ser. This variant has been reported in individuals with autosomal dominant megalencephalic leukoencephalopathy with subcortical cysts, and functional studies support its pathogenicity (López-Hernández et al. 2011. PubMed ID: 21419380; Arnedo et al. 2014. PubMed ID: 25044933; Elorza-Vidal et al 2020. PubMed ID: 31960914). This variant has not been reported in a large population database, indicating this variant is rare. This variant is interpreted as pathogenic.

GeneDx
Classification: Pathogenic. Last evaluated: 2025-09-24. Review status: criteria provided, single submitter. Criteria: GeneDx Variant Classification Process June 2021. Collection method: clinical testing. Allele origin: germline. Affected: yes.
Comment: One of the most common variants associated with autosomal dominantly-inherited megalencephalic leukoencephalopathy (MLC2B) (PMID: 21419380, 20301707); Published functional studies demonstrate a damaging effect on protein function (PMID: 25044933, 24647135); Not observed at significant frequency in large population cohorts (gnomAD); In silico analysis suggests that this missense variant does not alter protein structure/function; This variant is associated with the following publications: (PMID: 31960914, 24647135, 20301707, 36801247, 21419380, 25044933, 40894676, 27535533)

Labcorp Genetics (formerly Invitae), Labcorp
Classification: Pathogenic. Last evaluated: 2025-09-22. Review status: criteria provided, single submitter. Criteria: Invitae Variant Classification Sherloc (09022015). Collection method: clinical testing. Allele origin: germline.
Comment: This sequence change replaces glycine, which is neutral and non-polar, with serine, which is neutral and polar, at codon 89 of the HEPACAM protein (p.Gly89Ser). This variant is not present in population databases (gnomAD no frequency). This missense change has been observed in individual(s) with autosomal dominant megalencephalic leukoencephalopathy with subcortical cysts (PMID: 21419380). In at least one individual the variant was observed to be de novo. ClinVar contains an entry for this variant (Variation ID: 30919). Invitae Evidence Modeling of protein sequence and biophysical properties (such as structural, functional, and spatial information, amino acid conservation, physicochemical variation, residue mobility, and thermodynamic stability) indicates that this missense variant is expected to disrupt HEPACAM protein function with a positive predictive value of 95%. Experimental studies have shown that this missense change affects HEPACAM function (PMID: 25044933, 31960914). For these reasons, this variant has been classified as Pathogenic.

Molecular Diagnostics Lab, Nemours Children's Health, Delaware
Classification: Likely pathogenic for Megalencephalic leukoencephalopathy with subcortical cysts 2A. Last evaluated: 2021-02-10. Review status: criteria provided, single submitter. Criteria: ACMG Guidelines, 2015. Collection method: clinical testing. Allele origin: unknown. Inheritance: Autosomal recessive inheritance. Affected: yes. Observed: 1 heterozygote.
Comment: This missense variant (c.265G>A, p.Gly89Ser) has not been observed in population databases (gnomAD). The change has been reported in the literature (PMID 21419380, PMID 25044933). Variant prediction programs indicate a deleterious effect on the protein, and this is supported by functional studies (PMID 21419380, PMID 25044933).

Neuberg Centre For Genomic Medicine, NCGM
Classification: Pathogenic for Megalencephalic leukoencephalopathy with subcortical cysts 2B, remitting, with or without impaired intellectual development. Review status: criteria provided, single submitter. Criteria: ACMG Guidelines, 2015. Collection method: clinical testing. Allele origin: germline. Affected: yes.
Comment: The missense variant p.G89S in HEPACAM (NM_152722.5) has been previously reported as a de novo mutation in autosomal dominant megalencephalic leukoencephalopathy (Lopez-Hernandez T et al). Studies in HeLa cells demonstrate that G89S impacts the function of the HEPACAM protein (Arnedo et al, 2014). The variant has been submitted to ClinVar as Pathogenic. The p.G89S variant is novel (not in any individuals) in gnomAD Exomes and is novel (not in any individuals) in 1000 Genomes. In silico tools are contradictory in their predictions (SIFT-Tolerated, Polyphen-2-damaging) and the residue is conserved across species. For these reasons, this variant has been classified as Pathogenic.

OMIM
Classification: Pathogenic for MEGALENCEPHALIC LEUKOENCEPHALOPATHY WITH SUBCORTICAL CYSTS 2B, REMITTING, WITH OR WITHOUT IMPAIRED INTELLECTUAL DEVELOPMENT. Last evaluated: 2011-04-08. Review status: no assertion criteria provided. Collection method: literature only. Allele origin: germline. Not counted in ClinVar's aggregate classification.

GeneReviews
No classification provided. Condition: Megalencephalic leukoencephalopathy with subcortical cysts 2A. Review status: no classification provided. Collection method: literature only. Allele origin: germline. Not counted in ClinVar's aggregate classification.

Literature cited by the submitters: PubMed 21419380 (cited by 4 submitters); PubMed 25044933 (cited by Labcorp Genetics (formerly Invitae), Labcorp and Molecular Diagnostics Lab, Nemours Children's Health, Delaware); PubMed 31960914 (cited by Labcorp Genetics (formerly Invitae), Labcorp); NCBI Bookshelf NBK1535 (cited by GeneReviews).